The following is an entry in ClinVar:

NM_004655.4(AXIN2):c.1200+9G>A

Gene: AXIN2 (axin 2; minus strand). Cytogenetic location: 17q24.1.
Variant type: single nucleotide variant.
Coding change: c.1200+9G>A on transcript NM_004655.4 (MANE Select); 9 bases into the intron after coding-DNA position 1200, G replaced by A.
Molecular consequence: intron variant.
Genome position (GRCh38, 1-based): chr17:65,538,194, C>T on the plus strand (G>A on the coding strand, the complement: AXIN2 is on the minus strand). VCF-style: chr17-65538194-C-T. GRCh37 (hg19) VCF-style: chr17-63534312-C-T.
Other names: c.1200+9G>A (LRG_296t1, NM_001363813.1).
Identifiers: ClinVar variation 513181 (VCV000513181.9), dbSNP rs768410635, ClinGen allele CA627152233.
Genomic context (GRCh38, chr17:65,538,194, plus strand): 5'-CACATGCGCATACACATACGAGCGCTCACGCCGTGGACGGAAGCAGGAAGAAGGCCTAGG[C>T]CGCATTACCTCTCGGATCTGCTGCAGGCGCTCCTCCAGGCTGTGGCGGCTCTCCAACTCC-3'

ClinVar aggregate classification (germline): Likely benign. Review status: criteria provided, multiple submitters, no conflicts (2 of 4 stars). 3 submissions from 3 submitters: Likely benign (3). Last evaluated 2025-12-10.

Conditions:
Oligodontia-cancer predisposition syndrome. Also called: TOOTH AGENESIS-COLORECTAL CANCER SYNDROME. Identifiers: Orphanet 300576, MedGen C1837750, MONDO:0012075, OMIM 608615. Disease mechanism: loss of function.

gnomAD v4.1: 4 of 1,614,196 alleles (0.00025%); highest among the groups gnomAD compares: South Asian, 0.0022%; no homozygotes.

Submissions (3):

Labcorp Genetics (formerly Invitae), Labcorp
Classification: Likely benign for Oligodontia-cancer predisposition syndrome. Last evaluated: 2025-12-10. Review status: criteria provided, single submitter. Criteria: Invitae Variant Classification Sherloc (09022015). Collection method: clinical testing. Allele origin: germline.

Myriad Genetics, Inc.
Classification: Likely benign for Oligodontia-cancer predisposition syndrome. Last evaluated: 2024-07-01. Review status: criteria provided, single submitter. Criteria: Myriad Autosomal Dominant, Autosomal Recessive and X-Linked Classification Criteria (2023). Collection method: clinical testing. Allele origin: unknown.
Comment: This variant is considered likely benign. This variant is intronic and is not expected to impact mRNA splicing.

GeneDx
Classification: Likely benign. Last evaluated: 2017-11-01. Review status: criteria provided, single submitter. Criteria: GeneDx Variant Classification (06012015). Collection method: clinical testing. Allele origin: germline. Affected: yes.
Comment: This variant is considered likely benign or benign based on one or more of the following criteria: it is a conservative change, it occurs at a poorly conserved position in the protein, it is predicted to be benign by multiple in silico algorithms, and/or has population frequency not consistent with disease.